The following is an entry in ClinVar:

NM_001365999.1(SZT2):c.531C>T (p.Ser177=)

Gene: SZT2 (SZT2 subunit of KICSTOR complex; plus strand). Cytogenetic location: 1p34.2.
Variant type: single nucleotide variant.
Coding change: c.531C>T on transcript NM_001365999.1 (MANE Select); coding-DNA position 531, C replaced by T.
Protein change: p.Ser177=; no amino-acid change (serine 177 retained).
Molecular consequence: synonymous variant.
Genome position (GRCh38, 1-based): chr1:43,415,114, C>T. VCF-style: chr1-43415114-C-T. GRCh37 (hg19) VCF-style: chr1-43880785-C-T.
Other names: c.531C>T, p.Ser177= (NM_015284.4); c.531C>T (NM_015284.3).
Identifiers: ClinVar variation 1128133 (VCV001128133.29), dbSNP rs1056702956, ClinGen allele CA21625839.

ClinVar aggregate classification (germline): Likely benign. Review status: criteria provided, multiple submitters, no conflicts (2 of 4 stars). 3 submissions from 3 submitters: Likely benign (2). 1 of the submissions does not count toward it. Last evaluated 2024-05-01.

Conditions:
SZT2-related disorder. Also called: SZT2-related condition.

Allele frequency attached by ClinVar (database versions not stated): gnomAD exomes 0.00001 and 0.00002; gnomAD 0.00002; TOPMed 0.00002.
gnomAD v4.1: 37 of 1,597,912 alleles (0.0023%); highest among the groups gnomAD compares: Non-Finnish European, 0.0031%; no homozygotes.

Submissions (3):

CeGaT Center for Human Genetics Tuebingen
Classification: Likely benign. Last evaluated: 2024-05-01. Review status: criteria provided, single submitter. Criteria: CeGaT Center For Human Genetics Tuebingen Variant Classification Criteria Version 2. Collection method: clinical testing. Allele origin: germline. Affected: yes. Observed: 1 variant allele.
Comment: SZT2: BP4, BP7

Labcorp Genetics (formerly Invitae), Labcorp
Classification: Likely benign. Last evaluated: 2023-10-16. Review status: criteria provided, single submitter. Criteria: Invitae Variant Classification Sherloc (09022015). Collection method: clinical testing. Allele origin: germline.

PreventionGenetics, part of Exact Sciences
Classification: Likely benign for SZT2-related condition. Last evaluated: 2021-05-13. Review status: no assertion criteria provided. Collection method: clinical testing. Allele origin: germline. Not counted in ClinVar's aggregate classification.
Comment: This variant is classified as likely benign based on ACMG/AMP sequence variant interpretation guidelines (Richards et al. 2015 PMID: 25741868, with internal and published modifications).